The following is an entry in ClinVar:

ClinVar aggregate classification (germline): Benign (1 of 4 stars; one submission).

Conditions:
Paroxysmal nonkinesigenic dyskinesia 1 (PNKD1). Also called: Nonkinesigenic choreoathetosis; Familial paroxysmal choreoathetosis; DYSTONIA 8; Familial Paroxysmal Nonkinesigenic Dyskinesia; MOUNT-REBACK SYNDROME; PxMD-PNKD. Identifiers: Orphanet 98810, MedGen C4551506, MONDO:0700089, OMIM 118800, MONDO:0007326.

Allele frequency attached by ClinVar (database versions not stated): 1000 Genomes Project 0.00419; gnomAD 0.00623 and 0.00574; TOPMed 0.00679; 1000 Genomes Project 30x 0.00453.

Submission:

Illumina Laboratory Services, Illumina
Classification: Benign for Paroxysmal nonkinesigenic dyskinesia 1. Last evaluated: 2018-01-13. Review status: criteria provided, single submitter. Criteria: ICSL Variant Classification Criteria 13 December 2019. Collection method: clinical testing. Allele origin: germline.
Comment: This variant was observed in the ICSL laboratory as part of a predisposition screen in an ostensibly healthy population. It had not been previously curated by ICSL or reported in the Human Gene Mutation Database (HGMD: prior to June 1st, 2018), and was therefore a candidate for classification through an automated scoring system. Utilizing variant allele frequency, disease prevalence and penetrance estimates, and inheritance mode, an automated score was calculated to assess if this variant is too frequent to cause the disease. Based on the score and internal cut-off values, a variant classified as benign is not then subjected to further curation. The score for this variant resulted in a classification of benign for this disease.

NM_015488.5(PNKD):c.*992C>G

Genes: CATIP-AS2 (CATIP antisense RNA 2; minus strand), PNKD (PNKD metallo-beta-lactamase domain containing; plus strand). Cytogenetic location: 2q35.
Variant type: single nucleotide variant.
Coding change: c.*992C>G on transcript NM_015488.5 (MANE Select); 992 bases downstream of the stop codon, C replaced by G.
Molecular consequence: 3 prime UTR variant.
Genome position (GRCh38, 1-based): chr2:218,345,973, C>G. VCF-style: chr2-218345973-C-G. GRCh37 (hg19) VCF-style: chr2-219210696-C-G.
Other names: c.*992C>G (NM_022572.5).
Identifiers: ClinVar variation 334344 (VCV000334344.5), dbSNP rs115429065, ClinGen allele CA10614182.
Genomic context (GRCh38, chr2:218,345,973, plus strand): 5'-GCAGCCCTTTTCTTCTTTGAGTTAGTAAAGATTTATTCTGTAACCTGACACTCATCTGGC[C>G]CTTTGCAGTTTGCCAGCCATATTCCCATGTGATTTCCCACTGGATCCAGGCCCCCATCCG-3'